The following is an entry in ClinVar:

ClinVar aggregate classification (germline): Likely benign. Review status: criteria provided, single submitter (1 of 4 stars). 2 submissions from 2 submitters: Likely benign (1). 1 of the submissions does not count toward it. Last evaluated 2023-01-01.

Conditions:
Premature menopause. Identifiers: MedGen C0025322, MONDO:0001119.

Allele frequency attached by ClinVar (database versions not stated): ESP Exome Variant Server 0.00009; gnomAD 0.00003; gnomAD exomes 0.00003 and 0.00007; TOPMed 0.00002; ExAC 0.00002.
gnomAD v4.1: 80 of 1,193,746 alleles (0.0067%); highest among the groups gnomAD compares: Non-Finnish European, 0.0087%; no homozygotes.

Submissions (2):

CeGaT Center for Human Genetics Tuebingen
Classification: Likely benign. Last evaluated: 2023-01-01. Review status: criteria provided, single submitter. Criteria: CeGaT Center For Human Genetics Tuebingen Variant Classification Criteria Version 2. Collection method: clinical testing. Allele origin: germline. Affected: yes. Observed: 1 variant allele.
Comment: CENPI: BP4, BS2

Reproductive Development, Murdoch Childrens Research Institute
Classification: Uncertain significance for Premature ovarian insufficiency. Last evaluated: 2018-01-10. Review status: no assertion criteria provided. Criteria: ACMG Guidelines, 2015. Collection method: research. Allele origin: paternal. Affected: yes. Not counted in ClinVar's aggregate classification.

NM_001386188.2(CENPI):c.497G>A (p.Arg166His)

Gene: CENPI (centromere protein I; plus strand). Cytogenetic location: Xq22.1.
Variant type: single nucleotide variant.
Coding change: c.497G>A on transcript NM_001386188.2 (MANE Select); coding-DNA position 497, G replaced by A.
Protein change: p.Arg166His; replaces arginine 166 with histidine.
Molecular consequence: missense variant.
Genome position (GRCh38, 1-based): chrX:101,109,904, G>A. VCF-style: chrX-101109904-G-A. GRCh37 (hg19) VCF-style: chrX-100364893-G-A.
Other names: c.497G>A, p.Arg166His (NM_001318521.2, NM_001318523.1, NM_006733.3); short protein forms R166H.
Identifiers: ClinVar variation 619067 (VCV000619067.26), dbSNP rs137937705, ClinGen allele CA10471657.